The following is an entry in ClinVar:

NM_001040108.2(MLH3):c.2509G>T (p.Asp837Tyr)

Gene: MLH3 (mutL homolog 3; minus strand). Cytogenetic location: 14q24.3.
Variant type: single nucleotide variant.
Coding change: c.2509G>T on transcript NM_001040108.2 (MANE Select); coding-DNA position 2509, G replaced by T.
Protein change: p.Asp837Tyr; replaces aspartic acid 837 with tyrosine.
Molecular consequence: missense variant.
Genome position (GRCh38, 1-based): chr14:75,047,147, C>A on the plus strand (G>T on the coding strand, the complement: MLH3 is on the minus strand). VCF-style: chr14-75047147-C-A. GRCh37 (hg19) VCF-style: chr14-75513850-C-A.
Other names: c.2509G>T, p.Asp837Tyr (NM_014381.3); short protein forms D837Y.
Identifiers: ClinVar variation 1792354 (VCV001792354.4), dbSNP rs2503268364, ClinGen allele CA390440101.
Genomic context (GRCh38, chr14:75,047,147, plus strand): 5'-ATAACTCCTTCAGGGTCATAGGACTTTCTCTCAAACTAGGCATCTGTTGTTCTAAACAAT[C>A]TTCATCCTTGGAGAATGGAAACTTCTCTGAGTTAAGGATGTGGCTTGCTGGTTGACAACT-3'
Protein context (NP_001035197.1, residues 827-847): SEKFPFSKDE[Asp837Tyr]CLEQQMPSLR

ClinVar aggregate classification (germline): Uncertain significance. Review status: criteria provided, multiple submitters, no conflicts (2 of 4 stars). 2 submissions from 2 submitters: Uncertain significance (2). Last evaluated 2024-07-16.

Allele frequency attached by ClinVar (database versions not stated): gnomAD exomes below 0.00001.
gnomAD v4.1: 5 of 1,614,186 alleles (0.00031%); highest among the groups gnomAD compares: Non-Finnish European, 0.000085%; no homozygotes.

Submissions (2):

Blueprint Genetics
Classification: Uncertain significance. Last evaluated: 2024-07-16. Review status: criteria provided, single submitter. Criteria: ACMG Guidelines, 2015. Collection method: clinical testing. Allele origin: germline.

Ambry Genetics
Classification: Uncertain significance. Last evaluated: 2024-04-19. Review status: criteria provided, single submitter. Criteria: Ambry Variant Classification Scheme 2023. Collection method: clinical testing. Allele origin: germline.
Comment: The p.D837Y variant (also known as c.2509G>T), located in coding exon 1 of the MLH3 gene, results from a G to T substitution at nucleotide position 2509. The aspartic acid at codon 837 is replaced by tyrosine, an amino acid with highly dissimilar properties. This amino acid position is conserved. In addition, this alteration is predicted to be tolerated by in silico analysis. Since supporting evidence is limited at this time, the clinical significance of this alteration remains unclear.